The following is an entry in ClinVar:

ClinVar aggregate classification (germline): Likely benign (1 of 4 stars; one submission).

Submission:

CeGaT Center for Human Genetics Tuebingen
Classification: Likely benign. Last evaluated: 2024-06-01. Review status: criteria provided, single submitter. Criteria: CeGaT Center For Human Genetics Tuebingen Variant Classification Criteria Version 2. Collection method: clinical testing. Allele origin: germline. Affected: yes. Observed: 1 variant allele.
Comment: PRX: BP4, BP7

NM_181882.3(PRX):c.1569G>C (p.Leu523=)

Gene: PRX (periaxin; minus strand). Cytogenetic location: 19q13.2.
Variant type: single nucleotide variant.
Coding change: c.1569G>C on transcript NM_181882.3 (MANE Select); coding-DNA position 1569, G replaced by C.
Protein change: p.Leu523=; no amino-acid change (leucine 523 retained).
Molecular consequence: synonymous variant. On other transcripts: 3 prime UTR variant (1).
Genome position (GRCh38, 1-based): chr19:40,396,783, C>G on the plus strand (G>C on the coding strand, the complement: PRX is on the minus strand). VCF-style: chr19-40396783-C-G. GRCh37 (hg19) VCF-style: chr19-40902690-C-G.
Other names: c.1854G>C, p.Leu618= (NM_001411127.1); c.*1774G>C (NM_020956.2).
Identifiers: ClinVar variation 3250673 (VCV003250673.18), dbSNP rs879234073.